The following is an entry in ClinVar:

NM_004667.6(HERC2):c.1597G>A (p.Val533Met)

Gene: HERC2 (HECT and RLD domain containing E3 ubiquitin protein ligase 2; minus strand). Cytogenetic location: 15q13.1.
Variant type: single nucleotide variant.
Coding change: c.1597G>A on transcript NM_004667.6 (MANE Select); coding-DNA position 1597, G replaced by A.
Protein change: p.Val533Met; replaces valine 533 with methionine.
Molecular consequence: missense variant.
Genome position (GRCh38, 1-based): chr15:28,268,466, C>T on the plus strand (G>A on the coding strand, the complement: HERC2 is on the minus strand). VCF-style: chr15-28268466-C-T. GRCh37 (hg19) VCF-style: chr15-28513612-C-T.
Other names: short protein forms V533M.
Identifiers: ClinVar variation 426772 (VCV000426772.2), dbSNP rs1085307790, ClinGen allele CA391399962.

ClinVar aggregate classification (germline): Uncertain significance (1 of 4 stars; one submission).

Allele frequency attached by ClinVar (database versions not stated): gnomAD exomes below 0.00001.

Submission:

GeneDx
Classification: Uncertain significance. Last evaluated: 2018-06-20. Review status: criteria provided, single submitter. Criteria: GeneDx Variant Classification (06012015). Collection method: clinical testing. Allele origin: germline. Affected: yes.
Comment: The V533M variant in the HERC2 gene has not been reported previously as a pathogenic variant, nor as a benign variant, to our knowledge. The V533M variant is not observed in large population cohorts (Lek et al., 2016; 1000 Genomes Consortium et al., 2015; Exome Variant Server). The V533M variant is a conservative amino acid substitution, which occurs at a position that is conserved in mammals. In silico analysis is inconsistent in its predictions as to whether or not the variant is damaging to the protein structure/function. We interpret V533M as a variant of uncertain significance.